The following is an entry in ClinVar:

ClinVar aggregate classification (germline): Uncertain significance (1 of 4 stars; one submission).

Submission:

Labcorp Genetics (formerly Invitae), Labcorp
Classification: Uncertain significance. Last evaluated: 2025-07-05. Review status: criteria provided, single submitter. Criteria: Invitae Variant Classification Sherloc (09022015). Collection method: clinical testing. Allele origin: germline.
Comment: This sequence change affects an acceptor splice site in intron 8 of the TOP1MT gene. It is expected to disrupt RNA splicing. Variants that disrupt the donor or acceptor splice site typically lead to a loss of protein function (PMID: 16199547), however the current clinical and genetic evidence is not sufficient to establish whether loss-of-function variants in TOP1MT cause disease. This variant is present in population databases (rs766677858, gnomAD 0.004%). This variant has not been reported in the literature in individuals affected with TOP1MT-related conditions. Algorithms developed to predict the effect of sequence changes on RNA splicing suggest that this variant may disrupt the consensus splice site. In summary, the available evidence is currently insufficient to determine the role of this variant in disease. Therefore, it has been classified as a Variant of Uncertain Significance.

Literature cited by the submitters: PubMed 16199547.

NM_052963.3(TOP1MT):c.1147-1G>C

Gene: TOP1MT (DNA topoisomerase I mitochondrial; minus strand). Cytogenetic location: 8q24.3.
Variant type: single nucleotide variant.
Coding change: c.1147-1G>C on transcript NM_052963.3 (MANE Select); the canonical splice acceptor site of the intron before coding-DNA position 1147, G replaced by C.
Molecular consequence: splice acceptor variant.
Genome position (GRCh38, 1-based): chr8:143,318,087, C>G on the plus strand (G>C on the coding strand, the complement: TOP1MT is on the minus strand). VCF-style: chr8-143318087-C-G. GRCh37 (hg19) VCF-style: chr8-144400257-C-G.
Other names: c.853-1G>C (NM_001258447.1, NM_001258446.1).
Identifiers: ClinVar variation 4753982 (VCV004753982.1).